The following is an entry in ClinVar:

NM_030958.3(SLCO5A1):c.2086C>A (p.Leu696Ile)

Gene: SLCO5A1 (solute carrier organic anion transporter family member 5A1; minus strand). Cytogenetic location: 8q13.3.
Variant type: single nucleotide variant.
Coding change: c.2086C>A on transcript NM_030958.3 (MANE Select); coding-DNA position 2086, C replaced by A.
Protein change: p.Leu696Ile; replaces leucine 696 with isoleucine.
Molecular consequence: missense variant. On other transcripts: intron variant (1).
Genome position (GRCh38, 1-based): chr8:69,676,612, G>T on the plus strand (C>A on the coding strand, the complement: SLCO5A1 is on the minus strand). VCF-style: chr8-69676612-G-T. GRCh37 (hg19) VCF-style: chr8-70588847-G-T.
Other names: c.1921C>A, p.Leu641Ile (NM_001146009.1); c.2024+2766C>A (NM_001146008.2); short protein forms L696I, L641I.
Identifiers: ClinVar variation 1365347 (VCV001365347.6), dbSNP rs142555728, ClinGen allele CA4776427.

ClinVar aggregate classification (germline): Uncertain significance (1 of 4 stars; one submission).

Allele frequency attached by ClinVar (database versions not stated): TOPMed 0.00004; gnomAD 0.00006; ESP Exome Variant Server 0.00008.
gnomAD v4.1: 128 of 1,612,546 alleles (0.0079%); highest among the groups gnomAD compares: South Asian, 0.0099%; no homozygotes.

Submission:

Labcorp Genetics (formerly Invitae), Labcorp
Classification: Uncertain significance. Last evaluated: 2025-11-01. Review status: criteria provided, single submitter. Criteria: Invitae Variant Classification Sherloc (09022015). Collection method: clinical testing. Allele origin: germline.
Comment: This sequence change replaces leucine, which is neutral and non-polar, with isoleucine, which is neutral and non-polar, at codon 696 of the SLCO5A1 protein (p.Leu696Ile). This variant is present in population databases (rs142555728, gnomAD 0.02%). This variant has not been reported in the literature in individuals affected with SLCO5A1-related conditions. ClinVar contains an entry for this variant (Variation ID: 1365347). An algorithm developed to predict the effect of missense changes on protein structure and function (PolyPhen-2) suggests that this variant is likely to be disruptive. In summary, the available evidence is currently insufficient to determine the role of this variant in disease. Therefore, it has been classified as a Variant of Uncertain Significance.